The following is an entry in ClinVar:

ClinVar aggregate classification (germline): Uncertain significance. Review status: criteria provided, multiple submitters, no conflicts (2 of 4 stars). 5 submissions from 5 submitters: Uncertain significance (5). Last evaluated 2024-12-28.

Conditions:
Inborn genetic diseases. Identifiers: MedGen C0950123, MeSH D030342.
Hyperphosphatasia with impaired intellectual development syndrome 1. Also called: Hyperphosphatasia with intellectual disability syndrome 1; MABRY SYNDROME; GLYCOSYLPHOSPHATIDYLINOSITOL BIOSYNTHESIS DEFECT 2. Identifiers: Orphanet 247262, MedGen C4551502, MONDO:0009398, OMIM 239300.

Allele frequency attached by ClinVar (database versions not stated): ExAC 0.00006; gnomAD 0.00009 and 0.00007; ESP Exome Variant Server 0.00015; gnomAD exomes 0.00009; TOPMed 0.00009.
gnomAD v4.1: 149 of 1,614,054 alleles (0.0092%); highest among the groups gnomAD compares: Non-Finnish European, 0.012%; no homozygotes.

Submissions (5):

GeneDx
Classification: Uncertain significance. Last evaluated: 2024-12-28. Review status: criteria provided, single submitter. Criteria: GeneDx Variant Classification Process June 2021. Collection method: clinical testing. Allele origin: germline. Affected: yes.
Comment: In silico analysis supports that this missense variant has a deleterious effect on protein structure/function; Has not been previously published as pathogenic or benign to our knowledge

Labcorp Genetics (formerly Invitae), Labcorp
Classification: Uncertain significance. Last evaluated: 2024-01-24. Review status: criteria provided, single submitter. Criteria: Invitae Variant Classification Sherloc (09022015). Collection method: clinical testing. Allele origin: germline.
Comment: This sequence change replaces phenylalanine, which is neutral and non-polar, with leucine, which is neutral and non-polar, at codon 489 of the PIGV protein (p.Phe489Leu). This variant is present in population databases (rs146467198, gnomAD 0.02%). This variant has not been reported in the literature in individuals affected with PIGV-related conditions. ClinVar contains an entry for this variant (Variation ID: 876634). Advanced modeling of protein sequence and biophysical properties (such as structural, functional, and spatial information, amino acid conservation, physicochemical variation, residue mobility, and thermodynamic stability) performed at Invitae indicates that this missense variant is expected to disrupt PIGV protein function with a positive predictive value of 80%. In summary, the available evidence is currently insufficient to determine the role of this variant in disease. Therefore, it has been classified as a Variant of Uncertain Significance.

Ambry Genetics
Classification: Uncertain significance for Inborn genetic diseases. Last evaluated: 2021-10-12. Review status: criteria provided, single submitter. Criteria: Ambry Variant Classification Scheme 2023. Collection method: clinical testing. Allele origin: germline.

Mayo Clinic Laboratories, Mayo Clinic
Classification: Uncertain significance. Last evaluated: 2021-07-23. Review status: criteria provided, single submitter. Criteria: ACMG Guidelines, 2015. Collection method: clinical testing. Allele origin: germline.

Illumina Laboratory Services, Illumina
Classification: Uncertain significance for Hyperphosphatasia with impaired intellectual development syndrome 1. Last evaluated: 2018-01-13. Review status: criteria provided, single submitter. Criteria: ICSL Variant Classification Criteria 13 December 2019. Collection method: clinical testing. Allele origin: germline.

NM_017837.4(PIGV):c.1467C>G (p.Phe489Leu)

Gene: PIGV (phosphatidylinositol glycan anchor biosynthesis class V; plus strand). Cytogenetic location: 1p36.11.
Variant type: single nucleotide variant.
Coding change: c.1467C>G on transcript NM_017837.4 (MANE Select); coding-DNA position 1467, C replaced by G.
Protein change: p.Phe489Leu; replaces phenylalanine 489 with leucine.
Molecular consequence: missense variant. On other transcripts: non-coding transcript variant (2).
Genome position (GRCh38, 1-based): chr1:26,797,829, C>G. VCF-style: chr1-26797829-C-G. GRCh37 (hg19) VCF-style: chr1-27124320-C-G.
Other names: p.Phe489Leu; c.1467C>G, p.Phe489Leu (NM_001202554.2, NM_001374478.1, NM_001374480.1 and 2 more transcripts); c.1086C>G, p.Phe362Leu (NM_001374483.1); c.840C>G, p.Phe280Leu (NM_001374484.1, NM_001374485.1); c.345C>G, p.Phe115Leu (NM_001374486.1); short protein forms F362L, F489L, F115L, F280L.
Identifiers: ClinVar variation 876634 (VCV000876634.15), dbSNP rs146467198, ClinGen allele CA708237.
Genomic context (GRCh38, chr1:26,797,829, plus strand): 5'-ATACATTCTAGGCTACTTCCTGACTTACTGGCTCCTGGGACTACTCCTACATTGCAACTT[C>G]CTGCCTTGGACATGACCTGGACTCTCCAGGGACAGGTTGGAAGCCAACTTAACCCAGGGG-3'
Protein context (NP_060307.2, residues 479-493): WLLGLLLHCN[Phe489Leu]LPWT